The following is an entry in ClinVar:

NM_001243133.2(NLRP3):c.910G>A (p.Glu304Lys)

Gene: NLRP3 (NLR family pyrin domain containing 3; plus strand). Cytogenetic location: 1q44.
Variant type: single nucleotide variant.
Coding change: c.910G>A on transcript NM_001243133.2 (MANE Select); coding-DNA position 910, G replaced by A.
Protein change: p.Glu304Lys; replaces glutamic acid 304 with lysine.
Molecular consequence: missense variant.
Genome position (GRCh38, 1-based): chr1:247,424,359, G>A. VCF-style: chr1-247424359-G-A. GRCh37 (hg19) VCF-style: chr1-247587661-G-A.
Other names: c.910G>A, p.Glu304Lys (NM_001079821.3, NM_001127461.3, NM_001127462.3 and 1 more transcripts); c.916G>A, p.Glu306Lys (NM_004895.5); short protein forms E306K, E304K.
Identifiers: ClinVar variation 97981 (VCV000097981.8), dbSNP rs180177484, ClinGen allele CA281399.

ClinVar aggregate classification (germline): Pathogenic. Review status: criteria provided, multiple submitters, no conflicts (2 of 4 stars). 3 submissions from 3 submitters: Pathogenic (2). 1 of the submissions does not count toward it. Last evaluated 2022-11-15.

Conditions:
Cryopyrin associated periodic syndrome (CAPS). Identifiers: Orphanet 208650, MedGen C2316212, MONDO:0016168.
Familial cold autoinflammatory syndrome 1 (FCAS1). Also called: Familial cold inflammatory syndrome 1; CRYOPYRIN-ASSOCIATED PERIODIC SYNDROME 1. Identifiers: Orphanet 47045, MedGen C4551895, MONDO:0007349, OMIM 120100.

Submissions (3):

GeneDx
Classification: Pathogenic. Last evaluated: 2022-11-15. Review status: criteria provided, single submitter. Criteria: GeneDx Variant Classification Process June 2021. Collection method: clinical testing. Allele origin: germline. Affected: yes.
Comment: Published functional studies demonstrate a damaging effect due to impairment of the negative regulation activity of the NLRP3 protein (Mortimer et al., 2016); Not observed at significant frequency in large population cohorts (gnomAD); In silico analysis supports that this missense variant has a deleterious effect on protein structure/function; This variant is associated with the following publications: (PMID: 25883259, 28424701, 20472245, 16920754, 23442610, 21637346, 27650144, 33020839, 33329557, 19302049, 27548431)

Labcorp Genetics (formerly Invitae), Labcorp
Classification: Pathogenic for Cryopyrin associated periodic syndrome. Last evaluated: 2021-02-17. Review status: criteria provided, single submitter. Criteria: Invitae Variant Classification Sherloc (09022015). Collection method: clinical testing. Allele origin: germline.
Comment: Experimental studies have shown that this variant affects NLRP3 protein function (PMID: 27548431). For these reasons, this variant has been classified as Pathogenic. Advanced modeling of protein sequence and biophysical properties (such as structural, functional, and spatial information, amino acid conservation, physicochemical variation, residue mobility, and thermodynamic stability) performed at Invitae indicates that this missense variant is expected to disrupt NLRP3 protein function. This variant has been observed in individual(s) with cryopyrin-associated periodic syndrome (PMID: 16920754, 27650144, 21637346). This variant is also known as E304K in the literature. ClinVar contains an entry for this variant (Variation ID: 97981). This variant is not present in population databases (ExAC no frequency). This sequence change replaces glutamic acid with lysine at codon 306 of the NLRP3 protein (p.Glu306Lys). The glutamic acid residue is highly conserved and there is a small physicochemical difference between glutamic acid and lysine.

Unité médicale des maladies autoinflammatoires, CHRU Montpellier
No classification provided. Condition: Familial cold urticaria. Review status: no classification provided. Collection method: not provided. Allele origin: unknown. Not counted in ClinVar's aggregate classification.
Comment: also involved in OMIM 191900 and 607115

Literature cited by the submitters: PubMed 27548431 (cited by Labcorp Genetics (formerly Invitae), Labcorp); PubMed 16920754 (cited by Labcorp Genetics (formerly Invitae), Labcorp); PubMed 27650144 (cited by Labcorp Genetics (formerly Invitae), Labcorp); PubMed 21637346 (cited by Labcorp Genetics (formerly Invitae), Labcorp).